The following is an entry in ClinVar:

NM_005477.3(HCN4):c.3568G>T (p.Ala1190Ser)

Gene: HCN4 (hyperpolarization activated cyclic nucleotide gated potassium channel 4; minus strand). Cytogenetic location: 15q24.1.
Variant type: single nucleotide variant.
Coding change: c.3568G>T on transcript NM_005477.3 (MANE Select); coding-DNA position 3568, G replaced by T.
Protein change: p.Ala1190Ser; replaces alanine 1190 with serine.
Molecular consequence: missense variant.
Genome position (GRCh38, 1-based): chr15:73,322,525, C>A on the plus strand (G>T on the coding strand, the complement: HCN4 is on the minus strand). VCF-style: chr15-73322525-C-A. GRCh37 (hg19) VCF-style: chr15-73614866-C-A.
Other names: short protein forms A1190S.
Identifiers: ClinVar variation 2881606 (VCV002881606.3), dbSNP rs372243234, ClinGen allele CA393084787.

ClinVar aggregate classification (germline): Uncertain significance (1 of 4 stars; one submission).

Conditions:
Brugada syndrome 8 (BRGDA8). Identifiers: Orphanet 130, MedGen C2751083, MONDO:0013148, OMIM 613123.

gnomAD v4.1: 2 of 1,603,696 alleles (0.00012%); highest among the groups gnomAD compares: African/African-American, 0.0013%; no homozygotes.

Submission:

Labcorp Genetics (formerly Invitae), Labcorp
Classification: Uncertain significance for Brugada syndrome 8. Last evaluated: 2024-08-04. Review status: criteria provided, single submitter. Criteria: Invitae Variant Classification Sherloc (09022015). Collection method: clinical testing. Allele origin: germline.
Comment: This sequence change replaces alanine, which is neutral and non-polar, with serine, which is neutral and polar, at codon 1190 of the HCN4 protein (p.Ala1190Ser). This variant is not present in population databases (gnomAD no frequency). This variant has not been reported in the literature in individuals affected with HCN4-related conditions. Advanced modeling of protein sequence and biophysical properties (such as structural, functional, and spatial information, amino acid conservation, physicochemical variation, residue mobility, and thermodynamic stability) performed at Invitae indicates that this missense variant is not expected to disrupt HCN4 protein function with a negative predictive value of 95%. In summary, the available evidence is currently insufficient to determine the role of this variant in disease. Therefore, it has been classified as a Variant of Uncertain Significance.